The following is an entry in ClinVar:

NM_001034853.2(RPGR):c.1132G>A (p.Asp378Asn)

Gene: RPGR (retinitis pigmentosa GTPase regulator; minus strand). Cytogenetic location: Xp11.4.
Variant type: single nucleotide variant.
Coding change: c.1132G>A on transcript NM_001034853.2 (MANE Select); coding-DNA position 1132, G replaced by A.
Protein change: p.Asp378Asn; replaces aspartic acid 378 with asparagine.
Molecular consequence: missense variant. On other transcripts: non-coding transcript variant (6), intron variant (2).
Genome position (GRCh38, 1-based): chrX:38,299,069, C>T on the plus strand (G>A on the coding strand, the complement: RPGR is on the minus strand). VCF-style: chrX-38299069-C-T. GRCh37 (hg19) VCF-style: chrX-38158322-C-T.
Other names: c.1132G>A, p.Asp378Asn (NM_000328.3, NM_001367247.1); c.1129G>A, p.Asp377Asn (NM_001367245.1, NM_001367249.1, NM_001367250.1); c.1162G>A, p.Asp388Asn (NM_001367248.1); c.1060-1617G>A (NM_001367251.1, NM_001367246.1); short protein forms D378N, D388N, D377N.
Identifiers: ClinVar variation 1411246 (VCV001411246.8), dbSNP rs866428513, ClinGen allele CA327925034.

ClinVar aggregate classification (germline): Uncertain significance (1 of 4 stars; one submission).

Conditions:
Primary ciliary dyskinesia. Also called: Ciliary dyskinesia. Identifiers: Orphanet 244, MedGen C0008780, MONDO:0016575, HP:0012265.

Submission:

Labcorp Genetics (formerly Invitae), Labcorp
Classification: Uncertain significance for Primary ciliary dyskinesia. Last evaluated: 2025-04-13. Review status: criteria provided, single submitter. Criteria: Invitae Variant Classification Sherloc (09022015). Collection method: clinical testing. Allele origin: germline.
Comment: This sequence change replaces aspartic acid, which is acidic and polar, with asparagine, which is neutral and polar, at codon 378 of the RPGR protein (p.Asp378Asn). This variant is not present in population databases (gnomAD no frequency). This variant has not been reported in the literature in individuals affected with RPGR-related conditions. ClinVar contains an entry for this variant (Variation ID: 1411246). Invitae Evidence Modeling of protein sequence and biophysical properties (such as structural, functional, and spatial information, amino acid conservation, physicochemical variation, residue mobility, and thermodynamic stability) indicates that this missense variant is not expected to disrupt RPGR protein function with a negative predictive value of 95%. In summary, the available evidence is currently insufficient to determine the role of this variant in disease. Therefore, it has been classified as a Variant of Uncertain Significance.